The following is an entry in ClinVar:

NM_018063.5(HELLS):c.2458A>G (p.Met820Val)

Gene: HELLS (helicase, lymphoid specific; plus strand). Cytogenetic location: 10q23.33.
Variant type: single nucleotide variant.
Coding change: c.2458A>G on transcript NM_018063.5 (MANE Select); coding-DNA position 2458, A replaced by G.
Protein change: p.Met820Val; replaces methionine 820 with valine.
Molecular consequence: missense variant.
Genome position (GRCh38, 1-based): chr10:94,601,563, A>G. VCF-style: chr10-94601563-A-G. GRCh37 (hg19) VCF-style: chr10-96361320-A-G.
Other names: c.2596A>G, p.Met866Val (NM_001289067.2); c.2410A>G, p.Met804Val (NM_001289068.2); c.2362A>G, p.Met788Val (NM_001289069.2); c.2164A>G, p.Met722Val (NM_001289070.2); c.2086A>G, p.Met696Val (NM_001289071.2); c.2068A>G, p.Met690Val (NM_001289072.2); c.2044A>G, p.Met682Val (NM_001289073.2); c.1375A>G, p.Met459Val (NM_001289074.2); and 1 more; short protein forms M682V, M690V, M696V, M804V, M820V, M866V, M414V, M788V.
Identifiers: ClinVar variation 1381849 (VCV001381849.6), dbSNP rs2134139041, ClinGen allele CA377669327.

ClinVar aggregate classification (germline): Uncertain significance (1 of 4 stars; one submission).

Allele frequency attached by ClinVar (database versions not stated): gnomAD exomes below 0.00001.
gnomAD v4.1: 1 of 1,584,348 alleles (0.000063%); highest among the groups gnomAD compares: African/African-American, 0.0013%; no homozygotes.

Submission:

Labcorp Genetics (formerly Invitae), Labcorp
Classification: Uncertain significance. Last evaluated: 2022-07-05. Review status: criteria provided, single submitter. Criteria: Invitae Variant Classification Sherloc (09022015). Collection method: clinical testing. Allele origin: germline.
Comment: In summary, the available evidence is currently insufficient to determine the role of this variant in disease. Therefore, it has been classified as a Variant of Uncertain Significance. Algorithms developed to predict the effect of sequence changes on RNA splicing suggest that this variant may create or strengthen a splice site. Algorithms developed to predict the effect of missense changes on protein structure and function output the following: SIFT: "Tolerated"; PolyPhen-2: "Benign"; Align-GVGD: "Class C0". The valine amino acid residue is found in multiple mammalian species, which suggests that this missense change does not adversely affect protein function. ClinVar contains an entry for this variant (Variation ID: 1381849). This variant has not been reported in the literature in individuals affected with HELLS-related conditions. This variant is not present in population databases (gnomAD no frequency). This sequence change replaces methionine, which is neutral and non-polar, with valine, which is neutral and non-polar, at codon 820 of the HELLS protein (p.Met820Val).